The following is an entry in ClinVar:

ClinVar aggregate classification (germline): Pathogenic (1 of 4 stars; one submission).

Conditions:
Ellis-van Creveld syndrome (EVC). Also called: MESOECTODERMAL DYSPLASIA; Chondroectodermal dysplasia. Identifiers: Orphanet 289, MedGen C0013903, MONDO:0009162, OMIM 225500.

Submission:

Myriad Genetics, Inc.
Classification: Pathogenic for Ellis-van Creveld syndrome. Last evaluated: 2023-09-15. Review status: criteria provided, single submitter. Criteria: Myriad Autosomal Dominant, Autosomal Recessive and X-Linked Classification Criteria (2023). Collection method: clinical testing. Allele origin: unknown.
Comment: NM_153717.2(EVC):c.63_64ins11(R22Sfs*98) is expected to be pathogenic in the context of EVC-related Ellis-van Creveld syndrome. This variant is predicted to lead to an abnormal or absent protein product due to the creation of a premature termination codon in EVC, a gene where loss-of-function variants are known to be pathogenic. Please note: this variant was assessed in the context of healthy population screening.

NM_153717.3(EVC):c.63_64insTCTCTTATACA (p.Arg22fs)

Gene: EVC (EvC ciliary complex subunit 1; plus strand). Cytogenetic location: 4p16.2.
Variant type: Insertion.
Coding change: c.63_64insTCTCTTATACA on transcript NM_153717.3 (MANE Select); coding-DNA positions 63 to 64, TCTCTTATACA inserted.
Protein change: p.Arg22fs; shifts the reading frame from arginine 22.
Molecular consequence: frameshift variant.
Genome position: GRCh38 VCF-style: chr4-5711443-G-GTCTCTTATACA. GRCh37 (hg19) VCF-style: chr4-5713170-G-GTCTCTTATACA.
Other names: c.63_64insTCTCTTATACA, p.Arg22fs (NM_001306090.2, NM_001306092.2); short protein forms R22fs.
Identifiers: ClinVar variation 5011678 (VCV005011678.1).